The following is an entry in ClinVar:

NM_014921.5(ADGRL1):c.1401A>G (p.Leu467=)

Genes: ADGRL1 (adhesion G protein-coupled receptor L1; minus strand), ADGRL1-AS1 (ADGRL1 antisense RNA 1; plus strand). Cytogenetic location: 19p13.12.
Variant type: single nucleotide variant.
Coding change: c.1401A>G on transcript NM_014921.5 (MANE Select); coding-DNA position 1401, A replaced by G.
Protein change: p.Leu467=; no amino-acid change (leucine 467 retained).
Molecular consequence: synonymous variant.
Genome position (GRCh38, 1-based): chr19:14,161,421, T>C on the plus strand (A>G on the coding strand, the complement: ADGRL1 is on the minus strand). VCF-style: chr19-14161421-T-C. GRCh37 (hg19) VCF-style: chr19-14272233-T-C.
Other names: c.1416A>G, p.Leu472= (NM_001008701.3).
Identifiers: ClinVar variation 5040887 (VCV005040887.1).

ClinVar aggregate classification (germline): Likely benign (1 of 4 stars; one submission).

gnomAD v4.1: 869 of 1,530,608 alleles (0.057%); highest among the groups gnomAD compares: African/African-American, 1.1%; 4 homozygotes.

Submission:

CeGaT Center for Human Genetics Tuebingen
Classification: Likely benign. Last evaluated: 2026-09-01. Review status: criteria provided, single submitter. Criteria: CeGaT Center For Human Genetics Tuebingen Variant Classification Criteria Version 2. Collection method: clinical testing. Allele origin: germline. Affected: yes. Observed: 1 variant allele.
Comment: ADGRL1: BP4, BP7, BS1